The following is an entry in ClinVar:

NM_005235.3(ERBB4):c.3334C>T (p.Arg1112Cys)

Gene: ERBB4 (erb-b2 receptor tyrosine kinase 4; minus strand). Cytogenetic location: 2q34.
Variant type: single nucleotide variant.
Coding change: c.3334C>T on transcript NM_005235.3 (MANE Select); coding-DNA position 3334, C replaced by T.
Protein change: p.Arg1112Cys; replaces arginine 1112 with cysteine.
Molecular consequence: missense variant.
Genome position (GRCh38, 1-based): chr2:211,387,000, G>A on the plus strand (C>T on the coding strand, the complement: ERBB4 is on the minus strand). VCF-style: chr2-211387000-G-A. GRCh37 (hg19) VCF-style: chr2-212251725-G-A.
Other names: c.3334C>T (NM_005235.2); c.3286C>T, p.Arg1096Cys (NM_001042599.2); short protein forms R1112C, R1096C.
Identifiers: ClinVar variation 873194 (VCV000873194.7), dbSNP rs144311212, ClinGen allele CA2087467.

ClinVar aggregate classification (germline): Conflicting classifications of pathogenicity. Review status: criteria provided, conflicting classifications (1 of 4 stars). 3 submissions from 3 submitters: Likely pathogenic (1); Uncertain significance (1). 1 of the submissions does not count toward it. Last evaluated 2024-05-26.

Conditions:
ERBB4-related disorder. Also called: ERBB4-related condition.
Amyotrophic lateral sclerosis type 19. Identifiers: Orphanet 803, MedGen C3715155, MONDO:0014223, OMIM 615515.

Allele frequency attached by ClinVar (database versions not stated): gnomAD exomes 0.00002 and 0.00004; ExAC 0.00005; gnomAD 0.00010 and 0.00011; TOPMed 0.00010; ESP Exome Variant Server 0.00015.
gnomAD v4.1: 49 of 1,613,894 alleles (0.003%); highest among the groups gnomAD compares: African/African-American, 0.021%; no homozygotes.

Submissions (3):

Labcorp Genetics (formerly Invitae), Labcorp
Classification: Uncertain significance. Last evaluated: 2024-05-26. Review status: criteria provided, single submitter. Criteria: Invitae Variant Classification Sherloc (09022015). Collection method: clinical testing. Allele origin: germline.
Comment: This sequence change replaces arginine, which is basic and polar, with cysteine, which is neutral and slightly polar, at codon 1112 of the ERBB4 protein (p.Arg1112Cys). This variant is present in population databases (rs144311212, gnomAD 0.03%). This missense change has been observed in individual(s) with amyotrophic lateral sclerosis (PMID: 32579787). This variant is also known as p.Arg1096Cys. ClinVar contains an entry for this variant (Variation ID: 873194). An algorithm developed to predict the effect of missense changes on protein structure and function (PolyPhen-2) suggests that this variant is likely to be tolerated. In summary, the available evidence is currently insufficient to determine the role of this variant in disease. Therefore, it has been classified as a Variant of Uncertain Significance.

Suna and Inan Kirac Foundation Neurodegeneration Research Laboratory, Koc University
Classification: Likely pathogenic for Amyotrophic lateral sclerosis type 19. Last evaluated: 2020-03-31. Review status: criteria provided, single submitter. Criteria: ACMG Guidelines, 2015. Collection method: research. Allele origin: germline. Affected: yes. Observed: 3 variant alleles.

PreventionGenetics, part of Exact Sciences
Classification: Uncertain significance for ERBB4-related condition. Last evaluated: 2024-08-08. Review status: no assertion criteria provided. Collection method: clinical testing. Allele origin: germline. Not counted in ClinVar's aggregate classification.
Comment: The ERBB4 c.3334C>T variant is predicted to result in the amino acid substitution p.Arg1112Cys. This variant was reported in an individual with amyotrophic lateral sclerosis (NM_001042599.1:c.3286C>T p.(Arg1096Cys); Tunca et al. 2020. PubMed ID: 32579787). This variant is reported in 0.032% of alleles in individuals of African descent in gnomAD. At this time, the clinical significance of this variant is uncertain due to the absence of conclusive functional and genetic evidence.

Literature cited by the submitters: PubMed 32579787 (cited by Labcorp Genetics (formerly Invitae), Labcorp).